The following is an entry in ClinVar:

ClinVar aggregate classification (germline): Benign. Review status: criteria provided, single submitter (1 of 4 stars). 2 submissions from 2 submitters: Benign (1). 1 of the submissions does not count toward it. Last evaluated 2025-09-20.

Conditions:
ARID1A-related disorder. Also called: ARID1A-related condition.

Allele frequency attached by ClinVar (database versions not stated): gnomAD 0.00003; TOPMed 0.00001.
gnomAD v4.1: 45 of 1,249,372 alleles (0.0036%); highest among the groups gnomAD compares: Non-Finnish European, 0.0044%; no homozygotes.

Submissions (2):

Labcorp Genetics (formerly Invitae), Labcorp
Classification: Benign. Last evaluated: 2025-09-20. Review status: criteria provided, single submitter. Criteria: Invitae Variant Classification Sherloc (09022015). Collection method: clinical testing. Allele origin: germline.

PreventionGenetics, part of Exact Sciences
Classification: Likely benign for ARID1A-related condition. Last evaluated: 2020-12-14. Review status: no assertion criteria provided. Collection method: clinical testing. Allele origin: germline. Not counted in ClinVar's aggregate classification.
Comment: This variant is classified as likely benign based on ACMG/AMP sequence variant interpretation guidelines (Richards et al. 2015 PMID: 25741868, with internal and published modifications).

NM_006015.6(ARID1A):c.81C>T (p.Ala27=)

Gene: ARID1A (AT-rich interaction domain 1A; plus strand). Cytogenetic location: 1p36.11.
Variant type: single nucleotide variant.
Coding change: c.81C>T on transcript NM_006015.6 (MANE Select); coding-DNA position 81, C replaced by T.
Protein change: p.Ala27=; no amino-acid change (alanine 27 retained).
Molecular consequence: synonymous variant.
Genome position (GRCh38, 1-based): chr1:26,696,484, C>T. VCF-style: chr1-26696484-C-T. GRCh37 (hg19) VCF-style: chr1-27022975-C-T.
Other names: c.81C>T, p.Ala27= (NM_139135.4).
Identifiers: ClinVar variation 3030675 (VCV003030675.3), dbSNP rs1039830124, ClinGen allele CA19640357.